The following is an entry in ClinVar:

NM_032444.4(SLX4):c.4739+2T>C

Gene: SLX4 (SLX4 structure-specific endonuclease subunit; minus strand). Cytogenetic location: 16p13.3.
Variant type: single nucleotide variant.
Coding change: c.4739+2T>C on transcript NM_032444.4 (MANE Select); the canonical splice donor site of the intron after coding-DNA position 4739, T replaced by C.
Molecular consequence: splice donor variant.
Genome position (GRCh38, 1-based): chr16:3,584,767, A>G on the plus strand (T>C on the coding strand, the complement: SLX4 is on the minus strand). VCF-style: chr16-3584767-A-G. GRCh37 (hg19) VCF-style: chr16-3634768-A-G.
Identifiers: ClinVar variation 1067797 (VCV001067797.8), dbSNP rs774356384, ClinGen allele CA7865536.
Genomic context (GRCh38, chr16:3,584,767, plus strand): 5'-AACCCAGTTACTTATGGGAGGGAAAAGACCACTGTGGGCAACAAGCTTTGAAGACCGCCA[A>G]CCTATCCAGTTCCTTCTTCAGCACCGGCGTCTCCATAATGGAATACTGTGGCATCGGCGT-3'

ClinVar aggregate classification (germline): Likely pathogenic (1 of 4 stars; one submission).

Conditions:
Fanconi anemia (FA). Also called: Fanconi's anemia. Identifiers: Orphanet 84, MedGen C0015625, MeSH D005199, MONDO:0019391.

Allele frequency attached by ClinVar (database versions not stated): ExAC 0.00001; gnomAD 0.00001; gnomAD exomes 0.00001; TOPMed 0.00001.
gnomAD v4.1: 20 of 1,611,028 alleles (0.0012%); highest among the groups gnomAD compares: Admixed American, 0.0017%; no homozygotes.

Submissions (2):

Labcorp Genetics (formerly Invitae), Labcorp
Classification: Likely pathogenic for Fanconi anemia. Last evaluated: 2025-12-03. Review status: criteria provided, single submitter. Criteria: Invitae Variant Classification Sherloc (09022015). Collection method: clinical testing. Allele origin: germline.
Comment: This sequence change affects a donor splice site in intron 13 of the SLX4 gene. It is expected to disrupt RNA splicing. Variants that disrupt the donor or acceptor splice site typically lead to a loss of protein function (PMID: 16199547), and loss-of-function variants in SLX4 are known to be pathogenic (PMID: 21240277). This variant is present in population databases (rs774356384, gnomAD 0.006%). This variant has not been reported in the literature in individuals affected with SLX4-related conditions. ClinVar contains an entry for this variant (Variation ID: 1067797). Algorithms developed to predict the effect of sequence changes on RNA splicing suggest that this variant may disrupt the consensus splice site. In summary, the currently available evidence indicates that the variant is pathogenic, but additional data are needed to prove that conclusively. Therefore, this variant has been classified as Likely Pathogenic.

Dr. Peter K. Rogan Lab, Western University
No classification provided (evidence only). Condition: Uterine corpus endometrial carcinoma. Review status: no classification provided. Collection method: in vitro. Allele origin: not applicable. Functional consequence: retained intron. Not counted in ClinVar's aggregate classification.

Literature cited by the submitters: PubMed 16199547 (cited by Labcorp Genetics (formerly Invitae), Labcorp); PubMed 21240277 (cited by Labcorp Genetics (formerly Invitae), Labcorp).